The following is an entry in ClinVar:

ClinVar aggregate classification (germline): Uncertain significance. Review status: criteria provided, multiple submitters, no conflicts (2 of 4 stars). 3 submissions from 3 submitters: Uncertain significance (3). Last evaluated 2026-04-28.

Conditions:
Cerebral creatine deficiency syndrome. Also called: Creatine deficiency syndromes. Identifiers: Orphanet 79172, MedGen C5244016, MONDO:0000456.
Inborn genetic diseases. Identifiers: MedGen C0950123, MeSH D030342.

Allele frequency attached by ClinVar (database versions not stated): ExAC 0.00001; gnomAD exomes 0.00001 and 0.00002.
gnomAD v4.1: 3 of 1,613,126 alleles (0.00019%); highest among the groups gnomAD compares: Admixed American, 0.005%; no homozygotes.

Submissions (3):

Ambry Genetics
Classification: Uncertain significance for Inborn genetic diseases. Last evaluated: 2026-04-28. Review status: criteria provided, single submitter. Criteria: Ambry Variant Classification Scheme 2023. Collection method: clinical testing. Allele origin: germline.
Comment: The c.344G>A (p.G115D) alteration is located in exon 3 (coding exon 3) of the GAMT gene. This alteration results from a G to A substitution at nucleotide position 344, causing the glycine (G) at amino acid position 115 to be replaced by an aspartic acid (D). Based on data from gnomAD, the A allele has an overall frequency of 0.002% (4/248626) total alleles studied. The highest observed frequency was 0.012% (4/34430) of Latino alleles. This amino acid position is highly conserved in available vertebrate species. This alteration is predicted to be deleterious by in silico analysis. Based on insufficient or conflicting evidence, the clinical significance of this alteration remains unclear.

GeneDx
Classification: Uncertain significance. Last evaluated: 2025-01-31. Review status: criteria provided, single submitter. Criteria: GeneDx Variant Classification Process June 2021. Collection method: clinical testing. Allele origin: germline. Affected: yes.
Comment: Not observed at significant frequency in large population cohorts (gnomAD); In silico analysis supports that this missense variant has a deleterious effect on protein structure/function; Has not been previously published as pathogenic or benign to our knowledge

Labcorp Genetics (formerly Invitae), Labcorp
Classification: Uncertain significance for Cerebral creatine deficiency syndrome. Last evaluated: 2022-07-06. Review status: criteria provided, single submitter. Criteria: Invitae Variant Classification Sherloc (09022015). Collection method: clinical testing. Allele origin: germline.
Comment: ClinVar contains an entry for this variant (Variation ID: 1437816). Algorithms developed to predict the effect of missense changes on protein structure and function are either unavailable or do not agree on the potential impact of this missense change (SIFT: "Tolerated"; PolyPhen-2: "Probably Damaging"; Align-GVGD: "Class C0"). In summary, the available evidence is currently insufficient to determine the role of this variant in disease. Therefore, it has been classified as a Variant of Uncertain Significance. This sequence change replaces glycine, which is neutral and non-polar, with aspartic acid, which is acidic and polar, at codon 115 of the GAMT protein (p.Gly115Asp). This variant is present in population databases (rs750625814, gnomAD 0.009%). This variant has not been reported in the literature in individuals affected with GAMT-related conditions.

NM_000156.6(GAMT):c.344G>A (p.Gly115Asp)

Gene: GAMT (guanidinoacetate N-methyltransferase; minus strand). Cytogenetic location: 19p13.3.
Variant type: single nucleotide variant.
Coding change: c.344G>A on transcript NM_000156.6 (MANE Select); coding-DNA position 344, G replaced by A.
Protein change: p.Gly115Asp; replaces glycine 115 with aspartic acid.
Molecular consequence: missense variant.
Genome position (GRCh38, 1-based): chr19:1,399,571, C>T on the plus strand (G>A on the coding strand, the complement: GAMT is on the minus strand). VCF-style: chr19-1399571-C-T. GRCh37 (hg19) VCF-style: chr19-1399570-C-T.
Other names: c.344G>A, p.Gly115Asp (NM_138924.3); c.344G>A (NM_000156.5, NM_000156.4); short protein forms G115D.
Identifiers: ClinVar variation 1437816 (VCV001437816.11), dbSNP rs750625814, ClinGen allele CA9043715.